The following is an entry in ClinVar:

NM_004329.3(BMPR1A):c.1150G>A (p.Ala384Thr)

Gene: BMPR1A (bone morphogenetic protein receptor type 1A; plus strand). Cytogenetic location: 10q23.2.
Variant type: single nucleotide variant.
Coding change: c.1150G>A on transcript NM_004329.3 (MANE Select); coding-DNA position 1150, G replaced by A.
Protein change: p.Ala384Thr; replaces alanine 384 with threonine.
Molecular consequence: missense variant.
Genome position (GRCh38, 1-based): chr10:86,919,453, G>A. VCF-style: chr10-86919453-G-A. GRCh37 (hg19) VCF-style: chr10-88679210-G-A.
Other names: c.1150G>A, p.Ala384Thr (NM_001406572.1, NM_001406573.1, NM_001406574.1 and 19 more transcripts); c.1225G>A, p.Ala409Thr (NM_001406559.1); c.1198G>A, p.Ala400Thr (NM_001406560.1); c.1144G>A, p.Ala382Thr (NM_001406583.1); c.1066G>A, p.Ala356Thr (NM_001406584.1, NM_001406585.1, NM_001406586.1 and 2 more transcripts); c.808G>A, p.Ala270Thr (NM_001406589.1); short protein forms A384T, A356T, A382T, A409T, A270T, A400T.
Identifiers: ClinVar variation 2123073 (VCV002123073.6), dbSNP rs1843628839, ClinGen allele CA377461279.
Genomic context (GRCh38, chr10:86,919,453, plus strand): 5'-AAGAGCAAAAACATCCTCATCAAGAAAAATGGGAGTTGCTGCATTGCTGACCTGGGCCTT[G>A]CTGTTAAATTCAACAGGTGAGTGGTTCTTTGCCCCACTGTTTTGAAATTATTTTAATTTC-3'
Protein context (NP_004320.2, residues 374-394): GSCCIADLGL[Ala384Thr]VKFNSDTNEV

ClinVar aggregate classification (germline): Uncertain significance. Review status: criteria provided, multiple submitters, no conflicts (2 of 4 stars). 2 submissions from 2 submitters: Uncertain significance (2). Last evaluated 2026-08-20.

Conditions:
Juvenile polyposis syndrome (JPS). Identifiers: Orphanet 2929, MedGen C0345893, MONDO:0017380, OMIM 174900.
Hereditary cancer-predisposing syndrome. Also called: Tumor predisposition; Hereditary Cancer Syndrome; Hereditary neoplastic syndrome; Neoplastic Syndromes, Hereditary. Identifiers: Orphanet 140162, MedGen C0027672, MeSH D009386, MONDO:0015356.

Submissions (2):

Ambry Genetics
Classification: Uncertain significance for Hereditary cancer-predisposing syndrome. Last evaluated: 2026-08-20. Review status: criteria provided, single submitter. Criteria: Ambry Variant Classification Scheme 2023. Collection method: clinical testing. Allele origin: germline.
Comment: The p.A384T variant (also known as c.1150G>A), located in coding exon 8 of the BMPR1A gene, results from a G to A substitution at nucleotide position 1150. The alanine at codon 384 is replaced by threonine, an amino acid with similar properties. This amino acid position is highly conserved in available vertebrate species. In addition, this alteration is predicted to be deleterious by in silico analysis. Based on the available evidence, the clinical significance of this variant remains unclear.

Labcorp Genetics (formerly Invitae), Labcorp
Classification: Uncertain significance for Juvenile polyposis syndrome. Last evaluated: 2022-04-08. Review status: criteria provided, single submitter. Criteria: Invitae Variant Classification Sherloc (09022015). Collection method: clinical testing. Allele origin: germline.
Comment: In summary, the available evidence is currently insufficient to determine the role of this variant in disease. Therefore, it has been classified as a Variant of Uncertain Significance. Advanced modeling of protein sequence and biophysical properties (such as structural, functional, and spatial information, amino acid conservation, physicochemical variation, residue mobility, and thermodynamic stability) performed at Invitae indicates that this missense variant is expected to disrupt BMPR1A protein function. This variant has not been reported in the literature in individuals affected with BMPR1A-related conditions. This variant is not present in population databases (gnomAD no frequency). This sequence change replaces alanine, which is neutral and non-polar, with threonine, which is neutral and polar, at codon 384 of the BMPR1A protein (p.Ala384Thr).